The following is an entry in ClinVar:

ClinVar aggregate classification (germline): Uncertain significance (1 of 4 stars; one submission).

Conditions:
Retinitis pigmentosa (RP). Identifiers: Orphanet 791, MedGen C0035334, MeSH D012174, MONDO:0019200, OMIM 268000. Inheritance: Autosomal dominant, autosomal recessive and X linked inheritance.

Submission:

Diagnostics Services (NGS), CSIR - Centre For Cellular And Molecular Biology
Classification: Uncertain significance for Retinitis pigmentosa. Last evaluated: 2024-09-10. Review status: criteria provided, single submitter. Criteria: ACMG Guidelines, 2015. Collection method: clinical testing. Allele origin: unknown. Affected: yes. Observed: 1 variant allele, 1 homozygote.
Comment: Experimental studies have shown that the intraflagellar transport protein, IFT88, is essential for vertebrate photoreceptor assembly and maintenance [PMID: 11916979]. Compound heterozygous variations in the IFT88 gene (MIM*600595) have been reported in literature to cause nonsyndromic recessive retinal degeneration [PMID: 29978320]. Functional studies showed that these variations result in the formation of abnormal ciliary structures [PMID: 29978320]. The c.1528G>A variant is not present in 1000 Genomes, EVS, ExAC, gnomAD, Indian Exome Database or our in-house exome database. This variant has neither been published in the literature in individuals affected with IFT88-related conditions nor reported to the ClinVar, HGMD or OMIM databases, in any affected individuals. In-silico pathogenicity prediction programs like SIFT, Polyphen-2, MutationTaster2, CADD, etc. predicted these variants to be likely deleterious, however these predictions were not confirmed by published functional studies.

NM_006531.5(IFT88):c.1528G>A (p.Ala510Thr)

Gene: IFT88 (intraflagellar transport 88; plus strand). Cytogenetic location: 13q12.11.
Variant type: single nucleotide variant.
Coding change: c.1528G>A on transcript NM_006531.5 (MANE Select); coding-DNA position 1528, G replaced by A.
Protein change: p.Ala510Thr; replaces alanine 510 with threonine.
Molecular consequence: missense variant. On other transcripts: non-coding transcript variant (4).
Genome position (GRCh38, 1-based): chr13:20,638,473, G>A. VCF-style: chr13-20638473-G-A. GRCh37 (hg19) VCF-style: chr13-21212612-G-A.
Other names: c.1471G>A, p.Ala491Thr (NM_001318491.2, NM_001353575.2); c.1555G>A, p.Ala519Thr (NM_001318493.2, NM_001353565.2, NM_001353566.2 and 2 more transcripts); c.1528G>A, p.Ala510Thr (NM_001353568.2, NM_001353572.2); c.1453G>A, p.Ala485Thr (NM_001353569.2, NM_001353570.2, NM_001353576.2 and 1 more transcripts); c.1426G>A, p.Ala476Thr (NM_001353571.2, NM_001353578.2); c.1384G>A, p.Ala462Thr (NM_001353573.2); c.1369G>A, p.Ala457Thr (NM_001353574.2); c.895G>A, p.Ala299Thr (NM_001353579.2); short protein forms A299T, A457T, A462T, A476T, A485T, A491T, A510T, A519T.
Identifiers: ClinVar variation 3340511 (VCV003340511.1).